The following is an entry in ClinVar:

NM_016284.5(CNOT1):c.858A>T (p.Thr286=)

Gene: CNOT1 (CCR4-NOT transcription complex subunit 1; minus strand). Cytogenetic location: 16q21.
Variant type: single nucleotide variant.
Coding change: c.858A>T on transcript NM_016284.5 (MANE Select); coding-DNA position 858, A replaced by T.
Protein change: p.Thr286=; no amino-acid change (threonine 286 retained).
Molecular consequence: synonymous variant. On other transcripts: non-coding transcript variant (1).
Genome position (GRCh38, 1-based): chr16:58,583,131, T>A on the plus strand (A>T on the coding strand, the complement: CNOT1 is on the minus strand). VCF-style: chr16-58583131-T-A. GRCh37 (hg19) VCF-style: chr16-58617035-T-A.
Other names: c.858A>T, p.Thr286= (NM_001265612.2, NM_206999.3).
Identifiers: ClinVar variation 2646580 (VCV002646580.24), dbSNP rs779953502, ClinGen allele CA8090045.

ClinVar aggregate classification (germline): Likely benign (1 of 4 stars; one submission).

Allele frequency attached by ClinVar (database versions not stated): ExAC 0.00001.
gnomAD v4.1: 1 of 1,614,094 alleles (0.000062%); highest among the groups gnomAD compares: South Asian, 0.0011%; no homozygotes.

Submission:

CeGaT Center for Human Genetics Tuebingen
Classification: Likely benign. Last evaluated: 2022-10-01. Review status: criteria provided, single submitter. Criteria: CeGaT Center For Human Genetics Tuebingen Variant Classification Criteria Version 2. Collection method: clinical testing. Allele origin: germline. Affected: yes. Observed: 1 variant allele.
Comment: CNOT1: BP4